The following is an entry in ClinVar:

ClinVar aggregate classification (germline): Likely pathogenic (1 of 4 stars; one submission).

Submission:

GeneDx
Classification: Likely pathogenic. Last evaluated: 2022-03-21. Review status: criteria provided, single submitter. Criteria: GeneDx Variant Classification Process June 2021. Collection method: clinical testing. Allele origin: germline. Affected: yes.
Comment: Not observed at significant frequency in large population cohorts (gnomAD); In silico analysis supports that this missense variant has a deleterious effect on protein structure/function; Has not been previously published as pathogenic or benign to our knowledge

NM_001377.3(DYNC2H1):c.7964G>C (p.Gly2655Ala)

Gene: DYNC2H1 (dynein cytoplasmic 2 heavy chain 1; plus strand). Cytogenetic location: 11q22.3.
Variant type: single nucleotide variant.
Coding change: c.7964G>C on transcript NM_001377.3 (MANE Select); coding-DNA position 7964, G replaced by C.
Protein change: p.Gly2655Ala; replaces glycine 2655 with alanine.
Molecular consequence: missense variant.
Genome position (GRCh38, 1-based): chr11:103,199,352, G>C. VCF-style: chr11-103199352-G-C. GRCh37 (hg19) VCF-style: chr11-103070081-G-C.
Other names: c.7964G>C, p.Gly2655Ala (NM_001080463.2); short protein forms G2655A.
Identifiers: ClinVar variation 1704035 (VCV001704035.2), dbSNP rs748128924, ClinGen allele CA382256531.